The following is an entry in ClinVar:

ClinVar aggregate classification (germline): Likely pathogenic (1 of 4 stars; one submission).

Conditions:
Familial focal epilepsy with variable foci (FPEVF). Identifiers: Orphanet 98820, MedGen C1858477, MONDO:0020310.

Submission:

Labcorp Genetics (formerly Invitae), Labcorp
Classification: Likely pathogenic for Familial focal epilepsy with variable foci. Last evaluated: 2024-12-10. Review status: criteria provided, single submitter. Criteria: Invitae Variant Classification Sherloc (09022015). Collection method: clinical testing. Allele origin: germline.
Comment: This sequence change affects an acceptor splice site in intron 7 of the DEPDC5 gene. It is expected to disrupt RNA splicing. Variants that disrupt the donor or acceptor splice site typically lead to a loss of protein function (PMID: 16199547), and loss-of-function variants in DEPDC5 are known to be pathogenic (PMID: 23542697, 23542701). This variant is not present in population databases (gnomAD no frequency). Disruption of this splice site has been observed in individual(s) with DEPDC5-related conditions (Internal data). Algorithms developed to predict the effect of sequence changes on RNA splicing suggest that this variant may disrupt the consensus splice site. In summary, the currently available evidence indicates that the variant is pathogenic, but additional data are needed to prove that conclusively. Therefore, this variant has been classified as Likely Pathogenic.

Literature cited by the submitters: PubMed 16199547; PubMed 23542697; PubMed 23542701.

NM_001242896.3(DEPDC5):c.414-2A>G

Gene: DEPDC5 (DEP domain containing 5, GATOR1 subcomplex subunit; plus strand). Cytogenetic location: 22q12.2.
Variant type: single nucleotide variant.
Coding change: c.414-2A>G on transcript NM_001242896.3 (MANE Select); the canonical splice acceptor site of the intron before coding-DNA position 414, A replaced by G.
Molecular consequence: splice acceptor variant.
Genome position (GRCh38, 1-based): chr22:31,778,097, A>G. VCF-style: chr22-31778097-A-G. GRCh37 (hg19) VCF-style: chr22-32174083-A-G.
Other names: c.414-2A>G (NM_001364318.2, NM_001136029.4, NM_014662.6 and 7 more transcripts); c.330-2A>G (NM_001369902.1, NM_001369901.1).
Identifiers: ClinVar variation 3726856 (VCV003726856.2).